The following is an entry in ClinVar:

NM_000222.3(KIT):c.2695A>C (p.Met899Leu)

Gene: KIT (KIT proto-oncogene, receptor tyrosine kinase; plus strand). Cytogenetic location: 4q12.
Variant type: single nucleotide variant.
Coding change: c.2695A>C on transcript NM_000222.3 (MANE Select); coding-DNA position 2695, A replaced by C.
Protein change: p.Met899Leu; replaces methionine 899 with leucine.
Molecular consequence: missense variant.
Genome position (GRCh38, 1-based): chr4:54,736,819, A>C. VCF-style: chr4-54736819-A-C. GRCh37 (hg19) VCF-style: chr4-55602985-A-C.
Other names: c.2683A>C, p.Met895Leu (NM_001093772.2, NM_001385292.1); c.2698A>C, p.Met900Leu (NM_001385284.1); c.2692A>C, p.Met898Leu (NM_001385285.1); c.2680A>C, p.Met894Leu (NM_001385286.1); c.2686A>C, p.Met896Leu (NM_001385288.1); c.2695A>C, p.Met899Leu (NM_001385290.1); c.2695A>C (NM_000222.2); short protein forms M900L, M894L, M895L, M899L, M896L, M898L.
Identifiers: ClinVar variation 1037015 (VCV001037015.10), dbSNP rs1722948692, ClinGen allele CA356914098.

ClinVar aggregate classification (germline): Uncertain significance. Review status: criteria provided, multiple submitters, no conflicts (2 of 4 stars). 2 submissions from 2 submitters: Uncertain significance (2). Last evaluated 2026-04-28.

Conditions:
Gastrointestinal stromal tumor. Also called: Gastrointestinal stromal tumor, somatic; Gastrointestinal stroma tumor. Identifiers: Orphanet 44890, MedGen C0238198, MeSH D046152, MONDO:0011719, OMIM 606764, HP:0100723.
Hereditary cancer-predisposing syndrome. Also called: Tumor predisposition; Neoplastic Syndromes, Hereditary; Hereditary neoplastic syndrome; Hereditary Cancer Syndrome. Identifiers: Orphanet 140162, MedGen C0027672, MeSH D009386, MONDO:0015356.

Submissions (2):

Ambry Genetics
Classification: Uncertain significance for Hereditary cancer-predisposing syndrome. Last evaluated: 2026-04-28. Review status: criteria provided, single submitter. Criteria: Ambry Variant Classification Scheme 2023. Collection method: clinical testing. Allele origin: germline.
Comment: The p.M899L variant (also known as c.2695A>C), located in coding exon 19 of the KIT gene, results from an A to C substitution at nucleotide position 2695. The methionine at codon 899 is replaced by leucine, an amino acid with highly similar properties. This amino acid position is well conserved in available vertebrate species. In addition, the in silico prediction for this alteration is inconclusive. Based on the available evidence, the clinical significance of this variant remains unclear.

Labcorp Genetics (formerly Invitae), Labcorp
Classification: Uncertain significance for Gastrointestinal stromal tumor. Last evaluated: 2024-04-16. Review status: criteria provided, single submitter. Criteria: Invitae Variant Classification Sherloc (09022015). Collection method: clinical testing. Allele origin: germline.
Comment: This sequence change replaces methionine, which is neutral and non-polar, with leucine, which is neutral and non-polar, at codon 899 of the KIT protein (p.Met899Leu). This variant is not present in population databases (gnomAD no frequency). This variant has not been reported in the literature in individuals affected with KIT-related conditions. ClinVar contains an entry for this variant (Variation ID: 1037015). An algorithm developed to predict the effect of missense changes on protein structure and function (PolyPhen-2) suggests that this variant is likely to be tolerated. In summary, the available evidence is currently insufficient to determine the role of this variant in disease. Therefore, it has been classified as a Variant of Uncertain Significance.